The following is an entry in ClinVar:

ClinVar aggregate classification (germline): Uncertain significance (1 of 4 stars; one submission).

Submission:

Ambry Genetics
Classification: Uncertain significance. Last evaluated: 2025-10-22. Review status: criteria provided, single submitter. Criteria: Ambry Variant Classification Scheme 2023. Collection method: clinical testing. Allele origin: germline.
Comment: The p.G342R variant (also known as c.1024G>C), located in coding exon 8 of the RECQL gene, results from a G to C substitution at nucleotide position 1024. The glycine at codon 342 is replaced by arginine, an amino acid with dissimilar properties. This amino acid position is conserved. In addition, the in silico prediction for this alteration is inconclusive. Based on the available evidence, the clinical significance of this variant remains unclear.

NM_002907.4(RECQL):c.1024G>C (p.Gly342Arg)

Gene: RECQL (RecQ like helicase; minus strand). Cytogenetic location: 12p12.1.
Variant type: single nucleotide variant.
Coding change: c.1024G>C on transcript NM_002907.4 (MANE Select); coding-DNA position 1024, G replaced by C.
Protein change: p.Gly342Arg; replaces glycine 342 with arginine.
Molecular consequence: missense variant.
Genome position (GRCh38, 1-based): chr12:21,475,750, C>G on the plus strand (G>C on the coding strand, the complement: RECQL is on the minus strand). VCF-style: chr12-21475750-C-G. GRCh37 (hg19) VCF-style: chr12-21628684-C-G.
Other names: c.1024G>C, p.Gly342Arg (NM_032941.3); short protein forms G342R.
Identifiers: ClinVar variation 4576944 (VCV004576944.1).